The following is an entry in ClinVar:

NM_000545.8(HNF1A):c.404A>C (p.Asp135Ala)

Gene: HNF1A (HNF1 homeobox A; plus strand). Cytogenetic location: 12q24.31.
Variant type: single nucleotide variant.
Coding change: c.404A>C on transcript NM_000545.8 (MANE Select); coding-DNA position 404, A replaced by C.
Protein change: p.Asp135Ala; replaces aspartic acid 135 with alanine.
Molecular consequence: missense variant.
Genome position (GRCh38, 1-based): chr12:120,988,910, A>C. VCF-style: chr12-120988910-A-C. GRCh37 (hg19) VCF-style: chr12-121426713-A-C.
Other names: c.404A>C, p.Asp135Ala (NM_001306179.2); short protein forms D135A.
Identifiers: ClinVar variation 918061 (VCV000918061.2), dbSNP rs1876671395, ClinGen allele CA386959608.

ClinVar aggregate classification (germline): Likely pathogenic. Review status: criteria provided, single submitter (1 of 4 stars). 2 submissions from 2 submitters: Likely pathogenic (1). 1 of the submissions does not count toward it.

Conditions:
Diabetes mellitus. Also called: Diabetes mellitus (disease). Identifiers: MedGen C0011849, MONDO:0005015, HP:0000819.
Maturity-onset diabetes of the young (MODY). Also called: Maturity onset diabetes mellitus in young. Identifiers: Orphanet 552, MedGen C0342276, MONDO:0018911, HP:0004904.

Submissions (2):

Clinical Genomics, Uppaluri K&H Personalized Medicine Clinic
Classification: Likely pathogenic for Maturity-onset diabetes of the young. Review status: criteria provided, single submitter. Criteria: K & H Uppaluri Personalized Medicine Clinic Variant Classification & Assertion Criteria_Updated V.1. Collection method: research. Allele origin: unknown. Inheritance: Autosomal dominant inheritance.
Comment: Mutations in HNF1A gene can predispose to MODY3. It is associated with both micro and macrovascular complications of diabetes, especially cardiovascular complications. Associated with glucosuria. May respond well to sulfonylureas. However, more evidence is required to confer the association of this particular variant rs1876671395 with MODY3.

Constantin Polychronakos Laboratory, The Research Institute of the McGill University Health Centre
Classification: Likely pathogenic for Diabetes mellitus. Review status: no assertion criteria provided. Collection method: research. Allele origin: germline. Inheritance: Autosomal dominant inheritance. Affected: yes. Study: T1DGC. Not counted in ClinVar's aggregate classification.
Comment: PM1 PM2 PM5 PP3

Literature cited by the submitters: PubMed 31517624 (cited by Clinical Genomics, Uppaluri K&H Personalized Medicine Clinic); PubMed 35328643 (cited by Clinical Genomics, Uppaluri K&H Personalized Medicine Clinic); PubMed 35673428 (cited by Clinical Genomics, Uppaluri K&H Personalized Medicine Clinic); PubMed 32395877 (cited by Clinical Genomics, Uppaluri K&H Personalized Medicine Clinic).